The following is an entry in ClinVar:

NM_006269.2(RP1):c.103G>T (p.Ala35Ser)

Gene: RP1 (RP1 axonemal microtubule associated; plus strand). Cytogenetic location: 8q12.1.
Variant type: single nucleotide variant.
Coding change: c.103G>T on transcript NM_006269.2 (MANE Select); coding-DNA position 103, G replaced by T.
Protein change: p.Ala35Ser; replaces alanine 35 with serine.
Molecular consequence: missense variant.
Genome position (GRCh38, 1-based): chr8:54,621,069, G>T. VCF-style: chr8-54621069-G-T. GRCh37 (hg19) VCF-style: chr8-55533629-G-T.
Other names: c.103G>T, p.Ala35Ser (NM_001375654.1); short protein forms A35S.
Identifiers: ClinVar variation 2471916 (VCV002471916.6), dbSNP rs199850045, ClinGen allele CA4751083.

ClinVar aggregate classification (germline): Uncertain significance. Review status: criteria provided, multiple submitters, no conflicts (2 of 4 stars). 4 submissions from 4 submitters: Uncertain significance (3). 1 of the submissions does not count toward it. Last evaluated 2025-04-17.

Conditions:
Retinal dystrophy. Also called: Inherited retinal dystrophy. Identifiers: Orphanet 71862, MedGen C0854723, MeSH D058499, MONDO:0019118, HP:0000556.
Inborn genetic diseases. Identifiers: MedGen C0950123, MeSH D030342.

Allele frequency attached by ClinVar (database versions not stated): ExAC 0.00001; gnomAD 0.00001; gnomAD exomes 0.00001; TOPMed 0.00001; ESP Exome Variant Server 0.00008.
gnomAD v4.1: 13 of 1,614,010 alleles (0.00081%); highest among the groups gnomAD compares: South Asian, 0.0011%; no homozygotes.

Submissions (4):

Labcorp Genetics (formerly Invitae), Labcorp
Classification: Uncertain significance. Last evaluated: 2025-04-17. Review status: criteria provided, single submitter. Criteria: Invitae Variant Classification Sherloc (09022015). Collection method: clinical testing. Allele origin: germline.
Comment: This sequence change replaces alanine, which is neutral and non-polar, with serine, which is neutral and polar, at codon 35 of the RP1 protein (p.Ala35Ser). This variant is present in population databases (rs199850045, gnomAD 0.002%). This variant has not been reported in the literature in individuals affected with RP1-related conditions. ClinVar contains an entry for this variant (Variation ID: 2471916). An algorithm developed to predict the effect of missense changes on protein structure and function (PolyPhen-2) suggests that this variant is likely to be disruptive. In summary, the available evidence is currently insufficient to determine the role of this variant in disease. Therefore, it has been classified as a Variant of Uncertain Significance.

Blueprint Genetics
Classification: Uncertain significance. Last evaluated: 2024-07-29. Review status: criteria provided, single submitter. Criteria: ACMG Guidelines, 2015. Collection method: clinical testing. Allele origin: germline.

Ambry Genetics
Classification: Uncertain significance for Inborn genetic diseases. Last evaluated: 2023-02-15. Review status: criteria provided, single submitter. Criteria: Ambry Variant Classification Scheme 2023. Collection method: clinical testing. Allele origin: germline.

Institute of Human Genetics, Univ. Regensburg, Univ. Regensburg
Classification: Uncertain significance for Retinal dystrophy. Last evaluated: 2020-01-01. Review status: no assertion criteria provided. Criteria: ACMG Guidelines, 2015. Collection method: clinical testing. Allele origin: germline. Affected: yes. Not counted in ClinVar's aggregate classification.